The following is an entry in ClinVar:

NM_007050.6(PTPRT):c.726G>A (p.Val242=)

Gene: PTPRT (protein tyrosine phosphatase receptor type T; minus strand). Cytogenetic location: 20q12.
Variant type: single nucleotide variant.
Coding change: c.726G>A on transcript NM_007050.6 (MANE Select); coding-DNA position 726, G replaced by A.
Protein change: p.Val242=; no amino-acid change (valine 242 retained).
Molecular consequence: synonymous variant.
Genome position (GRCh38, 1-based): chr20:42,756,595, C>T on the plus strand (G>A on the coding strand, the complement: PTPRT is on the minus strand). VCF-style: chr20-42756595-C-T. GRCh37 (hg19) VCF-style: chr20-41385235-C-T.
Other names: c.726G>A, p.Val242= (NM_133170.4).
Identifiers: ClinVar variation 769093 (VCV000769093.7), dbSNP rs34099024, ClinGen allele CA9864751.

ClinVar aggregate classification (germline): Benign. Review status: criteria provided, multiple submitters, no conflicts (2 of 4 stars). 3 submissions from 3 submitters: Benign (2). 1 of the submissions does not count toward it. Last evaluated 2019-12-31.

Conditions:
PTPRT-related disorder. Also called: PTPRT-related condition.

Allele frequency attached by ClinVar (database versions not stated): gnomAD exomes 0.00119 and 0.00291; ExAC 0.00352; 1000 Genomes Project 30x 0.01077; 1000 Genomes Project 0.01078; ESP Exome Variant Server 0.01158; gnomAD 0.01170 and 0.01263; TOPMed 0.01276.
gnomAD v4.1: 3,612 of 1,609,612 alleles (0.22%); highest among the groups gnomAD compares: African/African-American, 3.7%; 52 homozygotes.

Submissions (3):

Labcorp Genetics (formerly Invitae), Labcorp
Classification: Benign. Last evaluated: 2019-12-31. Review status: criteria provided, single submitter. Criteria: Invitae Variant Classification Sherloc (09022015). Collection method: clinical testing. Allele origin: germline.

Breakthrough Genomics
Classification: Benign. Review status: criteria provided, single submitter. Criteria: ACMG Guidelines, 2015. Collection method: not provided. Allele origin: germline. Inheritance: Unknown mechanism. Affected: yes.

PreventionGenetics, part of Exact Sciences
Classification: Benign for PTPRT-related condition. Last evaluated: 2019-11-26. Review status: no assertion criteria provided. Collection method: clinical testing. Allele origin: germline. Not counted in ClinVar's aggregate classification.
Comment: This variant is classified as benign based on ACMG/AMP sequence variant interpretation guidelines (Richards et al. 2015 PMID: 25741868, with internal and published modifications).